The following is an entry in ClinVar:

ClinVar aggregate classification (germline): Uncertain significance (1 of 4 stars; one submission).

Conditions:
Hyperprolinemia type 2 (HYRPRO2). Also called: Delta-1-pyrroline-5-carboxylate dehydrogenase deficiency; Deficiency of pyrroline-5-carboxylate reductase; 1-PYRROLINE-5-CARBOXYLATE DEHYDROGENASE DEFICIENCY. Identifiers: Orphanet 79101, MedGen C2931835, MONDO:0009401, OMIM 239510.

Allele frequency attached by ClinVar (database versions not stated): gnomAD exomes 0.00001; ExAC 0.00002; TOPMed 0.00008; gnomAD 0.00009; 1000 Genomes Project 30x 0.00016; 1000 Genomes Project 0.00020.
gnomAD v4.1: 33 of 1,614,064 alleles (0.002%); highest among the groups gnomAD compares: African/African-American, 0.015%; no homozygotes.

Submission:

Labcorp Genetics (formerly Invitae), Labcorp
Classification: Uncertain significance for Hyperprolinemia type 2. Last evaluated: 2022-03-14. Review status: criteria provided, single submitter. Criteria: Invitae Variant Classification Sherloc (09022015). Collection method: clinical testing. Allele origin: germline.
Comment: This variant is present in population databases (rs576534785, gnomAD 0.01%). In summary, the available evidence is currently insufficient to determine the role of this variant in disease. Therefore, it has been classified as a Variant of Uncertain Significance. Algorithms developed to predict the effect of missense changes on protein structure and function are either unavailable or do not agree on the potential impact of this missense change (SIFT: "Deleterious"; PolyPhen-2: "Probably Damaging"; Align-GVGD: "Class C15"). This variant has not been reported in the literature in individuals affected with ALDH4A1-related conditions. This sequence change replaces arginine, which is basic and polar, with cysteine, which is neutral and slightly polar, at codon 540 of the ALDH4A1 protein (p.Arg540Cys).

NM_003748.4(ALDH4A1):c.1618C>T (p.Arg540Cys)

Gene: ALDH4A1 (aldehyde dehydrogenase 4 family member A1; minus strand). Cytogenetic location: 1p36.13.
Variant type: single nucleotide variant.
Coding change: c.1618C>T on transcript NM_003748.4 (MANE Select); coding-DNA position 1618, C replaced by T.
Protein change: p.Arg540Cys; replaces arginine 540 with cysteine.
Molecular consequence: missense variant.
Genome position (GRCh38, 1-based): chr1:18,872,919, G>A on the plus strand (C>T on the coding strand, the complement: ALDH4A1 is on the minus strand). VCF-style: chr1-18872919-G-A. GRCh37 (hg19) VCF-style: chr1-19199413-G-A.
Other names: c.1438C>T, p.Arg480Cys (NM_001161504.2); c.1465C>T, p.Arg489Cys (NM_001319218.2); c.1618C>T, p.Arg540Cys (NM_170726.3); short protein forms R480C, R489C, R540C.
Identifiers: ClinVar variation 2182569 (VCV002182569.2), dbSNP rs576534785, ClinGen allele CA646810.